The following is an entry in ClinVar:

ClinVar aggregate classification (germline): Pathogenic/Likely pathogenic. Review status: criteria provided, multiple submitters, no conflicts (2 of 4 stars). 6 submissions from 6 submitters: Pathogenic (4); Likely pathogenic (2). Last evaluated 2025-11-27.

Conditions:
Hereditary cancer-predisposing syndrome. Also called: Hereditary Cancer Syndrome; Tumor predisposition; Neoplastic Syndromes, Hereditary; Hereditary neoplastic syndrome. Identifiers: Orphanet 140162, MedGen C0027672, MeSH D009386, MONDO:0015356.
Familial cancer of breast. Also called: hereditary breast carcinoma; BREAST CANCER, FAMILIAL; Hereditary breast cancer. Identifiers: Orphanet 227535, MedGen C0346153, MONDO:0016419, OMIM 114480. Disease mechanism: loss of function.
Ataxia-telangiectasia syndrome (AT). Also called: ATAXIA-TELANGIECTASIA, COMPLEMENTATION GROUP A; ATAXIA-TELANGIECTASIA, FRESNO VARIANT; Ataxia-telangiectasia; Ataxia-telangiectasia, complementation group E; Cerebello-oculocutaneous telangiectasia; Immunodeficiency with ataxia telangiectasia. Identifiers: Orphanet 100, MedGen C0004135, MONDO:0008840, OMIM 208900.

Submissions (6):

Labcorp Genetics (formerly Invitae), Labcorp
Classification: Pathogenic for Ataxia-telangiectasia syndrome. Last evaluated: 2025-11-27. Review status: criteria provided, single submitter. Criteria: Invitae Variant Classification Sherloc (09022015). Collection method: clinical testing. Allele origin: germline.
Comment: This sequence change creates a premature translational stop signal (p.Leu2946Asnfs*9) in the ATM gene. It is expected to result in an absent or disrupted protein product. Loss-of-function variants in ATM are known to be pathogenic (PMID: 23807571, 25614872). This variant is not present in population databases (gnomAD no frequency). This variant has not been reported in the literature in individuals affected with ATM-related conditions. ClinVar contains an entry for this variant (Variation ID: 185902). For these reasons, this variant has been classified as Pathogenic.

Fulgent Genetics
Classification: Pathogenic for Familial cancer of breast; Ataxia-telangiectasia syndrome. Last evaluated: 2024-04-09. Review status: criteria provided, single submitter. Criteria: ACMG Guidelines, 2015. Collection method: clinical testing. Allele origin: germline.

Ambry Genetics
Classification: Pathogenic for Hereditary cancer-predisposing syndrome. Last evaluated: 2024-02-07. Review status: criteria provided, single submitter. Criteria: Ambry Variant Classification Scheme 2023. Collection method: clinical testing. Allele origin: germline.
Comment: The c.8835_8836delGT pathogenic mutation, located in coding exon 60 of the ATM gene, results from a deletion of two nucleotides at nucleotide positions 8835 to 8836, causing a translational frameshift with a predicted alternate stop codon (p.L2946Nfs*9). This alteration is expected to result in loss of function by premature protein truncation or nonsense-mediated mRNA decay. As such, this alteration is interpreted as a disease-causing mutation.

Myriad Genetics, Inc.
Classification: Pathogenic for Familial cancer of breast. Last evaluated: 2024-02-05. Review status: criteria provided, single submitter. Criteria: Myriad Autosomal Dominant, Autosomal Recessive and X-Linked Classification Criteria (2023). Collection method: clinical testing. Allele origin: unknown.
Comment: This variant is considered pathogenic. This variant creates a frameshift predicted to result in premature protein truncation.

Baylor Genetics
Classification: Likely pathogenic for Familial cancer of breast. Last evaluated: 2023-11-10. Review status: criteria provided, single submitter. Criteria: ACMG Guidelines, 2015. Collection method: clinical testing. Allele origin: unknown. Study: CSER-TexasKidsCanSeq.

GeneDx
Classification: Likely pathogenic. Last evaluated: 2022-01-26. Review status: criteria provided, single submitter. Criteria: GeneDx Variant Classification Process June 2021. Collection method: clinical testing. Allele origin: germline. Affected: yes.
Comment: Frameshift variant predicted to result in protein truncation or nonsense mediated decay in a gene for which loss-of-function is a known mechanism of disease; Not observed at significant frequency in large population cohorts (gnomAD); Observed in an individual with breast cancer (Weitzel 2019); Also known as c.8834_8835del; This variant is associated with the following publications: (PMID: 31206626)

Literature cited by the submitters: PubMed 23807571 (cited by Labcorp Genetics (formerly Invitae), Labcorp); PubMed 25614872 (cited by Labcorp Genetics (formerly Invitae), Labcorp).

NM_000051.4(ATM):c.8835_8836del (p.Leu2946fs)

Genes: C11orf65 (chromosome 11 open reading frame 65; minus strand), ATM (ATM serine/threonine kinase; plus strand). Cytogenetic location: 11q22.3.
Variant type: Deletion.
Coding change: c.8835_8836del on transcript NM_000051.4 (MANE Select); coding-DNA positions 8835 to 8836, 2 bases deleted (GT; older notation c.8835_8836delGT).
Protein change: p.Leu2946fs; shifts the reading frame from leucine 2946.
Molecular consequence: frameshift variant. On other transcripts: intron variant (2).
Genome position (GRCh38, 1-based): chr11:108,354,859-108,354,860, GT deleted; deleting any 2 consecutive bases within chr11:108,354,858-108,354,860 gives the same sequence; the c. name uses the placement nearest the transcript's 3' end. VCF-style (leftmost placement, unchanged base first): chr11-108354857-CTG-C. GRCh37 (hg19) VCF-style: chr11-108225584-CTG-C.
Other names: c.8835_8836delGT, p.Leu2946Asnfs (NM_000051.3); c.8835_8836del, p.Leu2946fs (NM_001351834.2); c.640+31061_640+31062del (NM_001330368.2); c.695-19567_695-19566del (NM_001351110.2); short protein forms L2946fs.
Identifiers: ClinVar variation 185902 (VCV000185902.20), dbSNP rs786202547, ClinGen allele CA193313.
Genomic context (GRCh38, chr11:108,354,857, plus strand): 5'-GTGTTTGACTCTAGATGCTGTGAGAAAACCATGGAAGTGATGAGAAACTCTCAGGAAACT[CTG>C]TTAACCATTGTAGAGGTAAAGTATTTTATAAGGAAGACTTTATTTTTTTTCTTACCAGGT-3'